The following is an entry in ClinVar:

NM_003982.4(SLC7A7):c.-42-263_-42-260dup

Gene: SLC7A7 (solute carrier family 7 member 7; minus strand). Cytogenetic location: 14q11.2.
Variant type: Duplication.
Coding change: c.-42-263_-42-260dup on transcript NM_003982.4 (MANE Select); 263 bases into the intron before 42 bases upstream of the start codon through 260 bases into the intron before 42 bases upstream of the start codon, 4 bases duplicated (TTGC; older notation c.-42-263_-42-260dupTTGC).
Molecular consequence: intron variant.
Genome position (GRCh38, 1-based): chr14:22,813,700-22,813,703, GCAA duplicated on the plus strand (TTGC on the coding strand, the reverse complement: SLC7A7 is on the minus strand). VCF-style (leftmost placement, unchanged base first): chr14-22813699-T-TGCAA. GRCh37 (hg19) VCF-style: chr14-23282908-T-TGCAA.
Other names: c.-42-263_-42-260dup (NM_001126106.4, NM_001126105.3); c.-42-263_-42-260dupTTGC (NM_001126106.2).
Identifiers: ClinVar variation 684063 (VCV000684063.1), dbSNP rs10644590, ClinGen allele CA257715275.

ClinVar aggregate classification (germline): Benign (1 of 4 stars; one submission).

Allele frequency attached by ClinVar (database versions not stated): gnomAD 0.57759 and 0.58027; 1000 Genomes Project 30x 0.60150; 1000 Genomes Project 0.60443.

Submission:

GeneDx
Classification: Benign. Last evaluated: 2018-06-14. Review status: criteria provided, single submitter. Criteria: GeneDx Variant Classification (06012015). Collection method: clinical testing. Allele origin: germline. Affected: yes.
Comment: This variant is considered likely benign or benign based on one or more of the following criteria: it is a conservative change, it occurs at a poorly conserved position in the protein, it is predicted to be benign by multiple in silico algorithms, and/or has population frequency not consistent with disease.